The following is an entry in ClinVar:

ClinVar aggregate classification (germline): Uncertain significance (1 of 4 stars; one submission).

Allele frequency attached by ClinVar (database versions not stated): gnomAD exomes 0.00001; gnomAD 0.00002; ExAC 0.00003; TOPMed 0.00003.
gnomAD v4.1: 19 of 1,614,090 alleles (0.0012%); highest among the groups gnomAD compares: Admixed American, 0.027%; no homozygotes.

Submission:

Labcorp Genetics (formerly Invitae), Labcorp
Classification: Uncertain significance. Last evaluated: 2024-01-22. Review status: criteria provided, single submitter. Criteria: Invitae Variant Classification Sherloc (09022015). Collection method: clinical testing. Allele origin: germline.
Comment: This sequence change replaces threonine, which is neutral and polar, with isoleucine, which is neutral and non-polar, at codon 3047 of the VPS13D protein (p.Thr3047Ile). This variant is present in population databases (rs755094583, gnomAD 0.03%). This variant has not been reported in the literature in individuals affected with VPS13D-related conditions. ClinVar contains an entry for this variant (Variation ID: 2193128). Advanced modeling of protein sequence and biophysical properties (such as structural, functional, and spatial information, amino acid conservation, physicochemical variation, residue mobility, and thermodynamic stability) has been performed at Invitae for this missense variant, however the output from this modeling did not meet the statistical confidence thresholds required to predict the impact of this variant on VPS13D protein function. In summary, the available evidence is currently insufficient to determine the role of this variant in disease. Therefore, it has been classified as a Variant of Uncertain Significance.

NM_015378.4(VPS13D):c.9140C>T (p.Thr3047Ile)

Gene: VPS13D (vacuolar protein sorting 13 homolog D; plus strand). Cytogenetic location: 1p36.22.
Variant type: single nucleotide variant.
Coding change: c.9140C>T on transcript NM_015378.4 (MANE Select); coding-DNA position 9140, C replaced by T.
Protein change: p.Thr3047Ile; replaces threonine 3047 with isoleucine.
Molecular consequence: missense variant.
Genome position (GRCh38, 1-based): chr1:12,348,893, C>T. VCF-style: chr1-12348893-C-T. GRCh37 (hg19) VCF-style: chr1-12408950-C-T.
Other names: c.9065C>T, p.Thr3022Ile (NM_018156.4); short protein forms T3047I, T3022I.
Identifiers: ClinVar variation 2193128 (VCV002193128.2), dbSNP rs755094583, ClinGen allele CA603354.